The following is an entry in ClinVar:

ClinVar aggregate classification (germline): Uncertain significance (1 of 4 stars; one submission).

Conditions:
Loeys-Dietz syndrome (LDS). Identifiers: Orphanet 60030, MedGen C2697932, MONDO:0018954.

Submission:

All of Us Research Program, National Institutes of Health
Classification: Uncertain significance for Loeys-Dietz syndrome. Last evaluated: 2023-05-04. Review status: criteria provided, single submitter. Criteria: ACMG Guidelines, 2015. Collection method: clinical testing. Allele origin: germline. Inheritance: Autosomal dominant inheritance. Observed: 1 variant allele, 1 heterozygote.
Comment: This missense variant replaces isoleucine with threonine at codon 349 of the TGFBR1 protein. Computational prediction suggests that this variant may have deleterious impact on protein structure and function (internally defined REVEL score threshold >= 0.7, PMID: 27666373). To our knowledge, functional studies have not been reported for this variant. This variant has not been reported in individuals affected with TGFBR1-related disorders in the literature. This variant has not been identified in the general population by the Genome Aggregation Database (gnomAD). The available evidence is insufficient to determine the role of this variant in disease conclusively. Therefore, this variant is classified as a Variant of Uncertain Significance.

This study involves interpretation of variants in research participants for the purpose of population health screening. Participant phenotype was not available at the time of variant classification. Additional details can be found in publication PMID: 35346344, PMCID: PMC8962531

NM_004612.4(TGFBR1):c.1046T>C (p.Ile349Thr)

Gene: TGFBR1 (transforming growth factor beta receptor 1; plus strand). Cytogenetic location: 9q22.33.
Variant type: single nucleotide variant.
Coding change: c.1046T>C on transcript NM_004612.4 (MANE Select); coding-DNA position 1046, T replaced by C.
Protein change: p.Ile349Thr; replaces isoleucine 349 with threonine.
Molecular consequence: missense variant. On other transcripts: non-coding transcript variant (4).
Genome position (GRCh38, 1-based): chr9:99,144,804, T>C. VCF-style: chr9-99144804-T-C. GRCh37 (hg19) VCF-style: chr9-101907086-T-C.
Other names: c.815T>C, p.Ile272Thr (NM_001130916.3, NM_001407435.1); c.1058T>C, p.Ile353Thr (NM_001306210.2); c.890T>C, p.Ile297Thr (NM_001407416.1); c.878T>C, p.Ile293Thr (NM_001407417.1); c.851T>C, p.Ile284Thr (NM_001407418.1, NM_001407419.1, NM_001407420.1 and 1 more transcripts); c.839T>C, p.Ile280Thr (NM_001407423.1, NM_001407424.1, NM_001407425.1 and 8 more transcripts); c.800T>C, p.Ile267Thr (NM_001407436.1); c.338T>C, p.Ile113Thr (NM_001407437.1); and 1 more; short protein forms I113T, I190T, I267T, I272T, I280T, I284T, I293T, I297T.
Identifiers: ClinVar variation 3070635 (VCV003070635.1), dbSNP rs2490237130, ClinGen allele CA374231448.